The following is an entry in ClinVar:

ClinVar aggregate classification (germline): Conflicting classifications of pathogenicity. Review status: criteria provided, conflicting classifications (1 of 4 stars). 6 submissions from 6 submitters: Uncertain significance (1); Likely benign (5). Last evaluated 2026-01-20.

Conditions:
TTN-related disorder. Also called: TTN-related condition; TTN-related disease; TTN-related disorders.
Dilated cardiomyopathy 1G (CMD1G). Identifiers: Orphanet 154, MedGen C1858763, MONDO:0011400, OMIM 604145.
Autosomal recessive limb-girdle muscular dystrophy type 2J (LGMDR10). Also called: Limb-girdle muscular dystrophy, type 2J; MUSCULAR DYSTROPHY, LIMB-GIRDLE, AUTOSOMAL RECESSIVE 10. Identifiers: Orphanet 140922, MedGen C1837342, MONDO:0012127, OMIM 608807.
Cardiovascular phenotype. Identifiers: MedGen CN230736.
Cardiomyopathy (CMYO). Also called: Cardiomyopathies. Identifiers: Orphanet 167848, MedGen C0878544, MONDO:0004994, HP:0001638. Inheritance: Various modes of inheritance.

Allele frequency attached by ClinVar (database versions not stated): ExAC 0.00009; gnomAD exomes 0.00011 and 0.00004; TOPMed 0.00007; gnomAD 0.00002 and 0.00003.
gnomAD v4.1: 59 of 1,613,082 alleles (0.0037%); highest among the groups gnomAD compares: East Asian, 0.12%; no homozygotes.

Submissions (6):

Labcorp Genetics (formerly Invitae), Labcorp
Classification: Likely benign for Dilated cardiomyopathy 1G; Autosomal recessive limb-girdle muscular dystrophy type 2J. Last evaluated: 2026-01-20. Review status: criteria provided, single submitter. Criteria: Invitae Variant Classification Sherloc (09022015). Collection method: clinical testing. Allele origin: germline.

PreventionGenetics, part of Exact Sciences
Classification: Likely benign for TTN-related condition. Last evaluated: 2025-04-17. Review status: criteria provided, single submitter. Criteria: ACMG Guidelines, 2015. Collection method: clinical testing. Allele origin: germline.
Comment: This variant is classified as likely benign based on ACMG/AMP sequence variant interpretation guidelines (Richards et al. 2015 PMID: 25741868, with internal and published modifications).

Blueprint Genetics
Classification: Likely benign. Last evaluated: 2024-07-10. Review status: criteria provided, single submitter. Criteria: ACMG Guidelines, 2015. Collection method: clinical testing. Allele origin: germline.

Ambry Genetics
Classification: Likely benign for Cardiovascular phenotype. Last evaluated: 2024-01-17. Review status: criteria provided, single submitter. Criteria: Ambry Variant Classification Scheme 2023. Collection method: clinical testing. Allele origin: germline.

CHEO Genetics Diagnostic Laboratory, Children's Hospital of Eastern Ontario
Classification: Uncertain significance for Cardiomyopathy. Last evaluated: 2015-09-21. Review status: criteria provided, single submitter. Criteria: ACMG Guidelines, 2015. Collection method: clinical testing. Allele origin: germline. Study: Canadian Open Genetics Repository.

Laboratory for Molecular Medicine, Mass General Brigham Personalized Medicine
Classification: Likely benign. Last evaluated: 2013-10-14. Review status: criteria provided, single submitter. Criteria: LMM Criteria. Collection method: clinical testing. Allele origin: germline. Observed: 1 variant allele.
Comment: Thr30781Thr in exon 305 of TTN: This variant is not expected to have clinical si gnificance because it does not alter an amino acid residue and is not located wi thin the splice consensus sequence. Thr30781Thr in exon 305 of TTN (allele freq uency = n/a)

NM_001267550.2(TTN):c.100047A>C (p.Thr33349=)

Genes: TTN (titin; minus strand), TTN-AS1 (TTN antisense RNA 1; plus strand), LOC126806420 (BRD4-independent group 4 enhancer GRCh37_chr2:179401104-179402303; plus strand). Cytogenetic location: 2q31.2.
Variant type: single nucleotide variant.
Coding change: c.100047A>C on transcript NM_001267550.2 (MANE Select); coding-DNA position 100047, A replaced by C.
Protein change: p.Thr33349=; no amino-acid change (threonine 33349 retained).
Molecular consequence: synonymous variant.
Genome position (GRCh38, 1-based): chr2:178,537,062, T>G on the plus strand (A>C on the coding strand, the complement: TTN is on the minus strand). VCF-style: chr2-178537062-T-G. GRCh37 (hg19) VCF-style: chr2-179401789-T-G.
Other names: c.95124A>C, p.Thr31708= (NM_001256850.1); c.92343A>C, p.Thr30781= (NM_133378.4); c.72852A>C, p.Thr24284= (NM_003319.4); c.73227A>C, p.Thr24409= (NM_133432.3); c.73428A>C, p.Thr24476= (NM_133437.4).
Identifiers: ClinVar variation 179190 (VCV000179190.27), dbSNP rs727504698, ClinGen allele CA183919.
Genomic context (GRCh38, chr2:178,537,062, plus strand): 5'-CTGAGCTGAAACCCGGAAGTAATAGCCAGCATTTTCTGTGAGGTTCACAATTCTACAGGT[T>G]GTCACTGAGATGGCTGAAGACACCAATTGCCATTCAGCCCCCTCCTTGGCCTCACATTTT-3'
Protein context (NP_001254479.2, residues 33339-33359): WQLVSSAISV[Thr33349=]TCRIVNLTEN